The following is an entry in ClinVar:

NM_001042492.3(NF1):c.3314+2T>G

Gene: NF1 (neurofibromin 1; plus strand). Cytogenetic location: 17q11.2.
Variant type: single nucleotide variant.
Coding change: c.3314+2T>G on transcript NM_001042492.3 (MANE Select); the canonical splice donor site of the intron after coding-DNA position 3314, T replaced by G.
Molecular consequence: splice donor variant.
Genome position (GRCh38, 1-based): chr17:31,232,191, T>G. VCF-style: chr17-31232191-T-G. GRCh37 (hg19) VCF-style: chr17-29559209-T-G.
Other names: c.3314+2T>G (NM_000267.4).
Identifiers: ClinVar variation 848281 (VCV000848281.8), dbSNP rs863224445, ClinGen allele CA398988949.

ClinVar aggregate classification (germline): Pathogenic/Likely pathogenic. Review status: criteria provided, multiple submitters, no conflicts (2 of 4 stars). 2 submissions from 2 submitters: Pathogenic (1); Likely pathogenic (1). Last evaluated 2025-10-11.

Conditions:
Juvenile myelomonocytic leukemia (JMML). Also called: LEUKEMIA, JUVENILE MYELOMONOCYTIC, SOMATIC. Identifiers: Orphanet 86834, MedGen C0349639, MONDO:0011908, OMIM 607785, HP:0012209.
Neurofibromatosis, type 1 (NF1). Also called: Neurofibromatosis, type I; VON RECKLINGHAUSEN DISEASE; Peripheral type neurofibromatosis; NEUROFIBROMATOSIS, TYPE I, SOMATIC. Identifiers: Orphanet 636, MedGen C0027831, MONDO:0018975, OMIM 162200. Disease mechanism: loss of function.

Submissions (2):

Labcorp Genetics (formerly Invitae), Labcorp
Classification: Pathogenic for Neurofibromatosis, type 1. Last evaluated: 2025-10-11. Review status: criteria provided, single submitter. Criteria: Invitae Variant Classification Sherloc (09022015). Collection method: clinical testing. Allele origin: germline.
Comment: This sequence change affects a donor splice site in intron 25 of the NF1 gene. It is expected to disrupt RNA splicing. Variants that disrupt the donor or acceptor splice site typically lead to a loss of protein function (PMID: 16199547), and loss-of-function variants in NF1 are known to be pathogenic (PMID: 10712197, 23913538). This variant is not present in population databases (gnomAD no frequency). Disruption of this splice site has been observed in individual(s) with neurofibromatosis type 1 (PMID: 31443423). Invitae Evidence Modeling of clinical and family history, age, sex, and reported ancestry of multiple individuals with this NF1 variant has been performed. This variant is expected to be pathogenic with a positive predictive value of at least 99%. This is a validated machine learning model that incorporates the clinical features of 1,785,918 individuals referred to our laboratory for NF1 testing. ClinVar contains an entry for this variant (Variation ID: 848281). Algorithms developed to predict the effect of sequence changes on RNA splicing suggest that this variant may disrupt the consensus splice site. For these reasons, this variant has been classified as Pathogenic.

Baylor Genetics
Classification: Likely pathogenic for Juvenile myelomonocytic leukemia. Last evaluated: 2023-06-06. Review status: criteria provided, single submitter. Criteria: ACMG Guidelines, 2015. Collection method: clinical testing. Allele origin: unknown.

Literature cited by the submitters: PubMed 16199547 (cited by Labcorp Genetics (formerly Invitae), Labcorp); PubMed 10712197 (cited by Labcorp Genetics (formerly Invitae), Labcorp); PubMed 23913538 (cited by Labcorp Genetics (formerly Invitae), Labcorp); PubMed 31443423 (cited by Labcorp Genetics (formerly Invitae), Labcorp).